The following is an entry in ClinVar:

NM_005045.4(RELN):c.7366T>C (p.Phe2456Leu)

Gene: RELN (reelin; minus strand). Cytogenetic location: 7q22.1.
Variant type: single nucleotide variant.
Coding change: c.7366T>C on transcript NM_005045.4 (MANE Select); coding-DNA position 7366, T replaced by C.
Protein change: p.Phe2456Leu; replaces phenylalanine 2456 with leucine.
Molecular consequence: missense variant.
Genome position (GRCh38, 1-based): chr7:103,523,515, A>G on the plus strand (T>C on the coding strand, the complement: RELN is on the minus strand). VCF-style: chr7-103523515-A-G. GRCh37 (hg19) VCF-style: chr7-103163962-A-G.
Other names: c.7366T>C, p.Phe2456Leu (NM_173054.3); short protein forms F2456L.
Identifiers: ClinVar variation 2271713 (VCV002271713.5), dbSNP rs1228533413, ClinGen allele CA368767997.

ClinVar aggregate classification (germline): Uncertain significance. Review status: criteria provided, multiple submitters, no conflicts (2 of 4 stars). 3 submissions from 3 submitters: Uncertain significance (3). Last evaluated 2024-05-05.

Conditions:
Norman-Roberts syndrome (LIS2). Also called: Lissencephaly 2 (Norman-Roberts type). Identifiers: Orphanet 89844, MedGen C0796089, MONDO:0009760, OMIM 257320.
Familial temporal lobe epilepsy 7. Identifiers: Orphanet 101046, MedGen C4225327, MONDO:0014639, OMIM 616436.
Inborn genetic diseases. Identifiers: MedGen C0950123, MeSH D030342.

Allele frequency attached by ClinVar (database versions not stated): gnomAD exomes below 0.00001; gnomAD 0.00001; TOPMed 0.00002.
gnomAD v4.1: 5 of 1,613,970 alleles (0.00031%); highest among the groups gnomAD compares: African/African-American, 0.0027%; no homozygotes.

Submissions (3):

Labcorp Genetics (formerly Invitae), Labcorp
Classification: Uncertain significance for Familial temporal lobe epilepsy 7; Norman-Roberts syndrome. Last evaluated: 2024-05-05. Review status: criteria provided, single submitter. Criteria: Invitae Variant Classification Sherloc (09022015). Collection method: clinical testing. Allele origin: germline.
Comment: This sequence change replaces phenylalanine, which is neutral and non-polar, with leucine, which is neutral and non-polar, at codon 2456 of the RELN protein (p.Phe2456Leu). This variant is not present in population databases (gnomAD no frequency). This variant has not been reported in the literature in individuals affected with RELN-related conditions. ClinVar contains an entry for this variant (Variation ID: 2271713). Advanced modeling of protein sequence and biophysical properties (such as structural, functional, and spatial information, amino acid conservation, physicochemical variation, residue mobility, and thermodynamic stability) performed at Invitae indicates that this missense variant is not expected to disrupt RELN protein function with a negative predictive value of 80%. In summary, the available evidence is currently insufficient to determine the role of this variant in disease. Therefore, it has been classified as a Variant of Uncertain Significance.

GeneDx
Classification: Uncertain significance. Last evaluated: 2024-04-21. Review status: criteria provided, single submitter. Criteria: GeneDx Variant Classification Process June 2021. Collection method: clinical testing. Allele origin: germline. Affected: yes.
Comment: Not observed at significant frequency in large population cohorts (gnomAD); In silico analysis supports that this missense variant has a deleterious effect on protein structure/function; Has not been previously published as pathogenic or benign to our knowledge

Ambry Genetics
Classification: Uncertain significance for Inborn genetic diseases. Last evaluated: 2022-01-10. Review status: criteria provided, single submitter. Criteria: Ambry Variant Classification Scheme 2023. Collection method: clinical testing. Allele origin: germline.